The following is an entry in ClinVar:

ClinVar aggregate classification (germline): Uncertain significance (1 of 4 stars; one submission).

Conditions:
PRPH2-related disorder. Also called: PRPH2-related disorders; PRPH2-related condition. Identifiers: MedGen CN239395.

Submission:

PreventionGenetics, part of Exact Sciences
Classification: Uncertain significance for PRPH2-related condition. Last evaluated: 2026-07-02. Review status: criteria provided, single submitter. Criteria: ACMG Guidelines, 2015. Collection method: clinical testing. Allele origin: germline.
Comment: The PRPH2 c.709G>C variant is predicted to result in the amino acid substitution p.Asp237His. To our knowledge, this variant has not been reported in the literature. This variant is reported in 0.0016% of alleles in individuals of European (Non-Finnish) descent in gnomAD. At this time, the clinical significance of this variant is uncertain due to the absence of conclusive functional and genetic evidence.

NM_000322.5(PRPH2):c.709G>C (p.Asp237His)

Gene: PRPH2 (peripherin 2; minus strand). Cytogenetic location: 6p21.1.
Variant type: single nucleotide variant.
Coding change: c.709G>C on transcript NM_000322.5 (MANE Select); coding-DNA position 709, G replaced by C.
Protein change: p.Asp237His; replaces aspartic acid 237 with histidine.
Molecular consequence: missense variant.
Genome position (GRCh38, 1-based): chr6:42,704,484, C>G on the plus strand (G>C on the coding strand, the complement: PRPH2 is on the minus strand). VCF-style: chr6-42704484-C-G. GRCh37 (hg19) VCF-style: chr6-42672222-C-G.
Other names: short protein forms D237H.
Identifiers: ClinVar variation 4984595 (VCV004984595.1).